The following is an entry in ClinVar:

ClinVar aggregate classification (germline): Uncertain significance (1 of 4 stars; one submission).

Submission:

Labcorp Genetics (formerly Invitae), Labcorp
Classification: Uncertain significance. Last evaluated: 2025-08-29. Review status: criteria provided, single submitter. Criteria: Invitae Variant Classification Sherloc (09022015). Collection method: clinical testing. Allele origin: germline.
Comment: This sequence change replaces serine, which is neutral and polar, with cysteine, which is neutral and slightly polar, at codon 1818 of the KAT6A protein (p.Ser1818Cys). This variant is not present in population databases (gnomAD no frequency). This variant has not been reported in the literature in individuals affected with KAT6A-related conditions. Invitae Evidence Modeling of protein sequence and biophysical properties (such as structural, functional, and spatial information, amino acid conservation, physicochemical variation, residue mobility, and thermodynamic stability) indicates that this missense variant is not expected to disrupt KAT6A protein function with a negative predictive value of 95%. In summary, the available evidence is currently insufficient to determine the role of this variant in disease. Therefore, it has been classified as a Variant of Uncertain Significance.

NM_006766.5(KAT6A):c.5453C>G (p.Ser1818Cys)

Gene: KAT6A (lysine acetyltransferase 6A; minus strand). Cytogenetic location: 8p11.21.
Variant type: single nucleotide variant.
Coding change: c.5453C>G on transcript NM_006766.5 (MANE Select); coding-DNA position 5453, C replaced by G.
Protein change: p.Ser1818Cys; replaces serine 1818 with cysteine.
Molecular consequence: missense variant.
Genome position (GRCh38, 1-based): chr8:41,932,767, G>C on the plus strand (C>G on the coding strand, the complement: KAT6A is on the minus strand). VCF-style: chr8-41932767-G-C. GRCh37 (hg19) VCF-style: chr8-41790285-G-C.
Other names: short protein forms S1818C.
Identifiers: ClinVar variation 4747378 (VCV004747378.1).